The following is an entry in ClinVar:

ClinVar aggregate classification (germline): Uncertain significance. Review status: criteria provided, multiple submitters, no conflicts (2 of 4 stars). 2 submissions from 2 submitters: Uncertain significance (2). Last evaluated 2023-11-29.

Conditions:
POLD1-related polyposis and colorectal cancer syndrome (CRCS10). Also called: Colorectal cancer 10; COLORECTAL CANCER, SUSCEPTIBILITY TO, ON CHROMOSOME 19q; Colorectal cancer, susceptibility to, 10. Identifiers: Orphanet 220460, MedGen C2675481, MONDO:0012953, OMIM 612591.
Hereditary cancer-predisposing syndrome. Also called: Neoplastic Syndromes, Hereditary; Tumor predisposition; Hereditary Cancer Syndrome; Hereditary neoplastic syndrome. Identifiers: Orphanet 140162, MedGen C0027672, MeSH D009386, MONDO:0015356.

Allele frequency attached by ClinVar (database versions not stated): gnomAD exomes below 0.00001.
gnomAD v4.1: 1 of 1,611,170 alleles (0.000062%); highest among the groups gnomAD compares: Admixed American, 0.0017%; no homozygotes.

Submissions (2):

Ambry Genetics
Classification: Uncertain significance for Hereditary cancer-predisposing syndrome. Last evaluated: 2023-11-29. Review status: criteria provided, single submitter. Criteria: Ambry Variant Classification Scheme 2023. Collection method: clinical testing. Allele origin: germline.
Comment: The p.G230D variant (also known as c.689G>A), located in coding exon 5 of the POLD1 gene, results from a G to A substitution at nucleotide position 689. The glycine at codon 230 is replaced by aspartic acid, an amino acid with similar properties. This amino acid position is conserved. In addition, the in silico prediction for this alteration is inconclusive. Since supporting evidence is limited at this time, the clinical significance of this alteration remains unclear.

Labcorp Genetics (formerly Invitae), Labcorp
Classification: Uncertain significance for POLD1-related polyposis and colorectal cancer syndrome. Last evaluated: 2020-12-20. Review status: criteria provided, single submitter. Criteria: Invitae Variant Classification Sherloc (09022015). Collection method: clinical testing. Allele origin: germline.
Comment: In summary, the available evidence is currently insufficient to determine the role of this variant in disease. Therefore, it has been classified as a Variant of Uncertain Significance. Algorithms developed to predict the effect of missense changes on protein structure and function are either unavailable or do not agree on the potential impact of this missense change (SIFT: "Tolerated"; PolyPhen-2: "Probably Damaging"; Align-GVGD: "Class C0"). This variant has not been reported in the literature in individuals with POLD1-related conditions. This variant is not present in population databases (ExAC no frequency). This sequence change replaces glycine with aspartic acid at codon 230 of the POLD1 protein (p.Gly230Asp). The glycine residue is highly conserved and there is a moderate physicochemical difference between glycine and aspartic acid.

NM_002691.4(POLD1):c.689G>A (p.Gly230Asp)

Gene: POLD1 (DNA polymerase delta 1, catalytic subunit; plus strand). Cytogenetic location: 19q13.33.
Variant type: single nucleotide variant.
Coding change: c.689G>A on transcript NM_002691.4 (MANE Select); coding-DNA position 689, G replaced by A.
Protein change: p.Gly230Asp; replaces glycine 230 with aspartic acid.
Molecular consequence: missense variant. On other transcripts: non-coding transcript variant (1).
Genome position (GRCh38, 1-based): chr19:50,402,304, G>A. VCF-style: chr19-50402304-G-A. GRCh37 (hg19) VCF-style: chr19-50905561-G-A.
Other names: c.689G>A, p.Gly230Asp (NM_001256849.1, NM_001308632.1); c.689G>A (NM_002691.2); short protein forms G230D.
Identifiers: ClinVar variation 1489891 (VCV001489891.9), dbSNP rs1469174668, ClinGen allele CA406974362.
Genomic context (GRCh38, chr19:50,402,304, plus strand): 5'-TGCGCATCACCGTGGCGCTGCCGCGCCTCGTGGCCCCGGCCCGCCGTCTCCTGGAACAGG[G>A]CATCCGTGTGGCAGGCCTGGGCACGCCCAGCTTCGCGCCCTACGAGGCCAACGTCGACTT-3'
Protein context (NP_002682.2, residues 220-240): VAPARRLLEQ[Gly230Asp]IRVAGLGTPS